The following is an entry in ClinVar:

ClinVar aggregate classification (germline): Benign/Likely benign. Review status: criteria provided, multiple submitters, no conflicts (2 of 4 stars). 5 submissions from 5 submitters: Benign (1); Likely benign (4). Last evaluated 2026-06-01.

Conditions:
KCNQ2-Related Disorders. Also called: KCNQ2-related condition; KCNQ2-related disorder. Identifiers: MedGen CN169299.
Early-infantile DEE. Also called: Ohtahara syndrome; Early infantile epileptic encephalopathy with suppression bursts; Early infantile epileptic encephalopathy. Identifiers: Orphanet 1934, MedGen C0393706, MONDO:0800491.

Allele frequency attached by ClinVar (database versions not stated): gnomAD exomes 0.00001 and 0.00006; TOPMed 0.00004; gnomAD 0.00005 and 0.00006; ExAC 0.00007.
gnomAD v4.1: 30 of 1,612,160 alleles (0.0019%); highest among the groups gnomAD compares: East Asian, 0.022%; no homozygotes.

Submissions (5):

CeGaT Center for Human Genetics Tuebingen
Classification: Likely benign. Last evaluated: 2026-06-01. Review status: criteria provided, single submitter. Criteria: CeGaT Center For Human Genetics Tuebingen Variant Classification Criteria Version 2. Collection method: clinical testing. Allele origin: germline. Affected: yes. Observed: 1 variant allele.
Comment: KCNQ2: BP4, BP7

Labcorp Genetics (formerly Invitae), Labcorp
Classification: Likely benign for Early-infantile DEE. Last evaluated: 2026-01-28. Review status: criteria provided, single submitter. Criteria: Invitae Variant Classification Sherloc (09022015). Collection method: clinical testing. Allele origin: germline.

PreventionGenetics, part of Exact Sciences
Classification: Likely benign for KCNQ2-related condition. Last evaluated: 2025-06-04. Review status: criteria provided, single submitter. Criteria: ACMG Guidelines, 2015. Collection method: clinical testing. Allele origin: germline.
Comment: This variant is classified as likely benign based on ACMG/AMP sequence variant interpretation guidelines (Richards et al. 2015 PMID: 25741868, with internal and published modifications).

Blueprint Genetics
Classification: Likely benign. Last evaluated: 2024-10-22. Review status: criteria provided, single submitter. Criteria: ACMG Guidelines, 2015. Collection method: clinical testing. Allele origin: germline.

GeneDx
Classification: Benign. Last evaluated: 2021-03-18. Review status: criteria provided, single submitter. Criteria: GeneDx Variant Classification Process June 2021. Collection method: clinical testing. Allele origin: germline. Affected: yes.

NM_172107.4(KCNQ2):c.2409C>T (p.Ser803=)

Gene: KCNQ2 (potassium voltage-gated channel subfamily Q member 2; minus strand). Cytogenetic location: 20q13.33.
Variant type: single nucleotide variant.
Coding change: c.2409C>T on transcript NM_172107.4 (MANE Select); coding-DNA position 2409, C replaced by T.
Protein change: p.Ser803=; no amino-acid change (serine 803 retained).
Molecular consequence: synonymous variant.
Genome position (GRCh38, 1-based): chr20:63,406,854, G>A on the plus strand (C>T on the coding strand, the complement: KCNQ2 is on the minus strand). VCF-style: chr20-63406854-G-A. GRCh37 (hg19) VCF-style: chr20-62038207-G-A.
Other names: c.2325C>T, p.Ser775= (NM_004518.6); c.2355C>T, p.Ser785= (NM_172106.3); c.2316C>T, p.Ser772= (NM_172108.5); c.2409C>T (NM_172107.3).
Identifiers: ClinVar variation 699691 (VCV000699691.49), dbSNP rs374526673, ClinGen allele CA9958079.